The following is an entry in ClinVar:

ClinVar aggregate classification (germline): Uncertain significance (1 of 4 stars; one submission).

Conditions:
Hereditary spastic paraplegia 30. Identifiers: Orphanet 101010, MedGen C5235139, MONDO:0012476.
Neuropathy, hereditary sensory, type 2C. Also called: KIF1A-Related HSAN2 (HSAN2C); Hereditary sensory and autonomic neuropathy type IIC. Identifiers: Orphanet 970, MedGen C3280168, MONDO:0013634, OMIM 614213.
Intellectual disability, autosomal dominant 9 (NESCAVS). Also called: KIF1A-Related Neurodevelopmental Disorder; NESCAV SYNDROME. Identifiers: Orphanet 662367, MedGen C5393830, MONDO:0013656, OMIM 614255.

Submission:

Labcorp Genetics (formerly Invitae), Labcorp
Classification: Uncertain significance for Hereditary spastic paraplegia 30; Neuropathy, hereditary sensory, type 2C; Intellectual disability, autosomal dominant 9. Last evaluated: 2021-03-20. Review status: criteria provided, single submitter. Criteria: Invitae Variant Classification Sherloc (09022015). Collection method: clinical testing. Allele origin: germline.
Comment: In summary, the available evidence is currently insufficient to determine the role of this variant in disease. Therefore, it has been classified as a Variant of Uncertain Significance. Advanced modeling of protein sequence and biophysical properties (such as structural, functional, and spatial information, amino acid conservation, physicochemical variation, residue mobility, and thermodynamic stability) performed at Invitae indicates that this missense variant is not expected to disrupt KIF1A protein function. This variant has not been reported in the literature in individuals with KIF1A-related conditions. This variant is not present in population databases (ExAC no frequency). This sequence change replaces glutamine with proline at codon 1386 of the KIF1A protein (p.Gln1386Pro). The glutamine residue is highly conserved and there is a moderate physicochemical difference between glutamine and proline.

NM_001244008.2(KIF1A):c.4460A>C (p.Gln1487Pro)

Gene: KIF1A (kinesin family member 1A; minus strand). Cytogenetic location: 2q37.3.
Variant type: single nucleotide variant.
Coding change: c.4460A>C on transcript NM_001244008.2 (MANE Select); coding-DNA position 4460, A replaced by C.
Protein change: p.Gln1487Pro; replaces glutamine 1487 with proline.
Molecular consequence: missense variant.
Genome position (GRCh38, 1-based): chr2:240,723,417, T>G on the plus strand (A>C on the coding strand, the complement: KIF1A is on the minus strand). VCF-style: chr2-240723417-T-G. GRCh37 (hg19) VCF-style: chr2-241662834-T-G.
Other names: c.4184A>C, p.Gln1395Pro (NM_001320705.2, NM_001379649.1); c.4211A>C, p.Gln1404Pro (NM_001330289.2); c.4259A>C, p.Gln1420Pro (NM_001330290.2, NM_001379648.1); c.4535A>C, p.Gln1512Pro (NM_001379631.1); c.4436A>C, p.Gln1479Pro (NM_001379632.1); c.4433A>C, p.Gln1478Pro (NM_001379633.1, NM_001379645.1); c.4286A>C, p.Gln1429Pro (NM_001379634.1); c.4283A>C, p.Gln1428Pro (NM_001379635.1, NM_001379646.1); and 7 more; short protein forms Q1394P, Q1420P, Q1478P, Q1487P, Q1395P, Q1411P, Q1428P, Q1429P.
Identifiers: ClinVar variation 1463849 (VCV001463849.8), dbSNP rs2125604530, ClinGen allele CA351305022.